The following is an entry in ClinVar:

NM_004453.4(ETFDH):c.1831G>A (p.Gly611Arg)

Gene: ETFDH (electron transfer flavoprotein dehydrogenase; plus strand). Cytogenetic location: 4q32.1.
Variant type: single nucleotide variant.
Coding change: c.1831G>A on transcript NM_004453.4 (MANE Select); coding-DNA position 1831, G replaced by A.
Protein change: p.Gly611Arg; replaces glycine 611 with arginine.
Molecular consequence: missense variant.
Genome position (GRCh38, 1-based): chr4:158,708,504, G>A. VCF-style: chr4-158708504-G-A. GRCh37 (hg19) VCF-style: chr4-159629656-G-A.
Other names: c.1690G>A, p.Gly564Arg (NM_001281737.2); c.1648G>A, p.Gly550Arg (NM_001281738.1); short protein forms G550R, G564R, G611R.
Identifiers: ClinVar variation 2627189 (VCV002627189.5), dbSNP rs1774704214, ClinGen allele CA358566950.
Genomic context (GRCh38, chr4:158,708,504, plus strand): 5'-ACATGTGATATTAAAGATCCAAGTCAGAATATTAACTGGGTGGTACCTGAAGGTGGAGGA[G>A]GACCTGCTTACAATGGAATGTAAACTGCAGCTAGCCAGTTTCTTTCAAGTATGGCAAGCT-3'
Protein context (NP_004444.2, residues 601-617): INWVVPEGGG[Gly611Arg]PAYNGM

ClinVar aggregate classification (germline): Likely pathogenic. Review status: criteria provided, multiple submitters, no conflicts (2 of 4 stars). 4 submissions from 4 submitters: Likely pathogenic (4). Last evaluated 2025-02-19.

Conditions:
ETFDH-related disorder. Also called: ETFDH-related condition.
Multiple acyl-CoA dehydrogenase deficiency (MADD). Also called: Glutaric aciduria, type 2; Glutaric Acidemia type 2; Glutaric acidemia type II; GA 2; ETHYLMALONIC-ADIPICACIDURIA; GA II. Identifiers: Orphanet 26791, MedGen C0268596, MONDO:0009282, OMIM 231680.
Glutaric acidemia type 2C.

Allele frequency attached by ClinVar (database versions not stated): gnomAD exomes below 0.00001; gnomAD 0.00001.
gnomAD v4.1: 2 of 1,613,586 alleles (0.00012%); highest among the groups gnomAD compares: Admixed American, 0.0017%; no homozygotes.

Submissions (4):

Natera, Inc.
Classification: Likely pathogenic for Glutaric acidemia type 2C. Last evaluated: 2025-02-19. Review status: criteria provided, single submitter. Criteria: Natera Variant Classification Schema (03/2026). Collection method: clinical testing. Allele origin: germline.
Comment: The c.1831G>A variant in ETFDH is a missense variant predicted to cause substitution of glycine to arginine at amino acid 611. This variant is rare in the general population with a frequency below the threshold expected for the associated phenotype(s). This variant has been observed in one or more individuals affected with the associated recessive disease, as either homozygous or compound heterozygous with a second variant (PMID: 20138856). Additionally, this variant has been observed to segregate in affected family members (PMID: 20138856). A different variant at the same position has been determined to be Pathogenic or Likely Pathogenic. Computational prediction algorithms indicate this variant is likely to affect gene or protein function. Given the available evidence, this variant is classified as Likely Pathogenic.

Fulgent Genetics
Classification: Likely pathogenic for Multiple acyl-CoA dehydrogenase deficiency. Last evaluated: 2024-02-12. Review status: criteria provided, single submitter. Criteria: ACMG Guidelines, 2015. Collection method: clinical testing. Allele origin: germline.

Women's Health and Genetics/Laboratory Corporation of America, LabCorp
Classification: Likely pathogenic for Multiple acyl-CoA dehydrogenase deficiency. Last evaluated: 2023-09-01. Review status: criteria provided, single submitter. Criteria: LabCorp Variant Classification Summary - May 2015. Collection method: clinical testing. Allele origin: germline.
Comment: Variant summary: ETFDH c.1831G>A (p.Gly611Arg) results in a non-conservative amino acid change in the encoded protein sequence. Five of five in-silico tools predict a damaging effect of the variant on protein function. The variant was absent in 251380 control chromosomes (gnomAD). c.1831G>A has been reported in the literature in at least two compound heterozygous individuals affected with Glutaric Aciduria, Type 2c (e.g., Er_2010). These data indicate that the variant may be associated with disease. To our knowledge, no experimental evidence demonstrating an impact on protein function has been reported. The following publication was ascertained in the context of this evaluation (PMID: 20138856). No submitters have reported clinical-significance assessments for this variant to ClinVar after 2014. Additionally, a different missense variant affecting the same amino acid, c.1832G>A (p.Gly611Glu), has been reported in individuals affected with Glutaric Aciduria, Type 2 (PMIDs: 12359134, 32778825) and is classified as pathogenic/likely pathogenic in ClinVar. Based on the evidence outlined above, the variant was classified as likely pathogenic.

PreventionGenetics, part of Exact Sciences
Classification: Likely pathogenic for ETFDH-related condition. Last evaluated: 2023-05-24. Review status: criteria provided, single submitter. Criteria: ACMG Guidelines, 2015. Collection method: clinical testing. Allele origin: germline.
Comment: The ETFDH c.1831G>A variant is predicted to result in the amino acid substitution p.Gly611Arg. This variant has been reported in the compound heterozygous state in two siblings with multiple acyl-CoA dehydrogenase deficiency (MADD; Table 1, Er et al. 2010. PubMed ID: 20138856). This variant has not been reported in a large population database, indicating this variant is rare. An alternate nucleotide change affecting the same amino acid (p.Gly611Glu) has been reported to be pathogenic for MADD (Tables 2 and 4, Goodman et al. 2002. PubMed ID: 12359134; Table S5, Adhikari et al. 2020. PubMed ID: 32778825). The c.1831G>A (p.Gly611Arg) variant is interpreted as likely pathogenic.

Literature cited by the submitters: PubMed 20138856 (cited by Natera, Inc. and Women's Health and Genetics/Laboratory Corporation of America, LabCorp).